The following is an entry in ClinVar:

ClinVar aggregate classification (germline): Pathogenic. Review status: criteria provided, multiple submitters, no conflicts (2 of 4 stars). 4 submissions from 4 submitters: Pathogenic (3). 1 of the submissions does not count toward it. Last evaluated 2026-07-02.

Conditions:
Cardiovascular phenotype. Identifiers: MedGen CN230736.
Long QT syndrome (LQTS). Identifiers: MedGen C0023976, MeSH D008133, MONDO:0002442. Disease mechanism: loss of function. Inheritance: Various modes of inheritance.
Long QT syndrome 2 (LQT2). Identifiers: Orphanet 101016, Orphanet 768, MedGen C3150943, MONDO:0013367, OMIM 613688.

Submissions (4):

Ambry Genetics
Classification: Pathogenic for Cardiovascular phenotype. Last evaluated: 2026-07-02. Review status: criteria provided, single submitter. Criteria: Ambry Variant Classification Scheme 2023. Collection method: clinical testing. Allele origin: germline.
Comment: The c.3003G>A (p.W1001*) alteration, located in exon 13 (coding exon 13) of the KCNH2 gene, consists of a G to A substitution at nucleotide position 3003. This changes the amino acid from a tryptophan (W) to a stop codon at amino acid position 1001. This variant is expected to result in loss of function by premature protein truncation or nonsense-mediated mRNA decay. This variant was not reported in population-based cohorts in the Genome Aggregation Database (gnomAD). This variant was reported in individuals with long QT syndrome (Moss, 2002). In multiple assays testing KCNH2 function, this variant showed functionally abnormal results (Kupershmidt, 2002; Gong, 2007). Based on the available evidence, this alteration is classified as pathogenic.

GeneDx
Classification: Pathogenic. Last evaluated: 2024-10-06. Review status: criteria provided, single submitter. Criteria: GeneDx Variant Classification Process June 2021. Collection method: clinical testing. Allele origin: germline. Affected: yes.
Comment: Has been reported in individuals with LQTS (PMID: 11854117, 23995044); Not observed at significant frequency in large population cohorts (gnomAD); Published functional studies suggest the p.(W1001*) variant results in a truncated protein and significant reduction in channel current properties (PMID: 12021266); Nonsense variant predicted to result in protein truncation or nonsense mediated decay in a gene for which loss of function is a known mechanism of disease; This variant is associated with the following publications: (PMID: 11686910, 11854117, 23995044, 17576861, 12021266)

Labcorp Genetics (formerly Invitae), Labcorp
Classification: Pathogenic for Long QT syndrome. Last evaluated: 2019-08-16. Review status: criteria provided, single submitter. Criteria: Invitae Variant Classification Sherloc (09022015). Collection method: clinical testing. Allele origin: germline.
Comment: For these reasons, this variant has been classified as Pathogenic. Experimental studies have shown that this nonsense change (p.Tryp1001*) results in reduced mRNA levels due to nonsense-mediated decay and the resulting protein is truncated, which results in a channel with reduced current amplitude (PMID: 17576861, 12021266). Loss-of-function variants in KCNH2 are known to be pathogenic. There are two different nucleotide changes (c.3002G>A and c.3003G>A) that result in the same amino acid change to a stop codon. The variant c.3002G>A has been classified as pathogenic (Invitae database). This protein change has been reported in the literature in individuals affected with long QT syndrome (PMID: 12021266, 26846766, 11854117). This sequence change creates a premature translational stop signal at codon 1001 (p.Trp1001*) of the KCNH2 gene. It is expected to result in an absent or disrupted protein product.

OMIM
Classification: Pathogenic for LONG QT SYNDROME 2. Last evaluated: 2002-07-26. Review status: no assertion criteria provided. Collection method: literature only. Allele origin: germline. Not counted in ClinVar's aggregate classification.

Literature cited by the submitters: PubMed 11854117 (cited by Ambry Genetics and Labcorp Genetics (formerly Invitae), Labcorp); PubMed 12021266 (cited by 3 submitters); PubMed 17576861 (cited by Ambry Genetics and Labcorp Genetics (formerly Invitae), Labcorp); PubMed 26846766 (cited by Labcorp Genetics (formerly Invitae), Labcorp).

NM_000238.4(KCNH2):c.3003G>A (p.Trp1001Ter)

Gene: KCNH2 (potassium voltage-gated channel subfamily H member 2; minus strand). Cytogenetic location: 7q36.1.
Variant type: single nucleotide variant.
Coding change: c.3003G>A on transcript NM_000238.4 (MANE Select); coding-DNA position 3003, G replaced by A.
Protein change: p.Trp1001Ter; replaces tryptophan 1001 with a stop codon.
Molecular consequence: nonsense. On other transcripts: non-coding transcript variant (2).
Genome position (GRCh38, 1-based): chr7:150,947,477, C>T on the plus strand (G>A on the coding strand, the complement: KCNH2 is on the minus strand). VCF-style: chr7-150947477-C-T. GRCh37 (hg19) VCF-style: chr7-150644565-C-T.
Other names: p.W1001*:TGG>TGA; c.2715G>A, p.Trp905Ter (NM_001406753.1); c.1983G>A, p.Trp661Ter (NM_172057.3); short protein forms W1001*, W661*, W905*.
Identifiers: ClinVar variation 14431 (VCV000014431.18), dbSNP rs121912509, ClinGen allele CA007783.